The following is an entry in ClinVar:

NM_002187.3(IL12B):c.856-22C>T

Gene: IL12B (interleukin 12B; minus strand). Cytogenetic location: 5q33.3.
Variant type: single nucleotide variant.
Coding change: c.856-22C>T on transcript NM_002187.3 (MANE Select); 22 bases into the intron before coding-DNA position 856, C replaced by T.
Molecular consequence: intron variant.
Genome position (GRCh38, 1-based): chr5:159,316,838, G>A on the plus strand (C>T on the coding strand, the complement: IL12B is on the minus strand). VCF-style: chr5-159316838-G-A. GRCh37 (hg19) VCF-style: chr5-158743846-G-A.
Identifiers: ClinVar variation 2628273 (VCV002628273.2), dbSNP rs11574790, ClinGen allele CA3538691.

ClinVar aggregate classification (germline): Benign (1 of 4 stars; one submission).

Allele frequency attached by ClinVar (database versions not stated): gnomAD exomes 0.10999; ExAC 0.11490; 1000 Genomes Project 0.12520; 1000 Genomes Project 30x 0.13195; gnomAD 0.13240; ESP Exome Variant Server 0.13963; TOPMed 0.14323.
gnomAD v4.1: 181,222 of 1,612,714 alleles (11%); highest among the groups gnomAD compares: African/African-American, 20%; 11,178 homozygotes.

Submission:

Unidad de Genómica Garrahan, Hospital de Pediatría Garrahan
Classification: Benign. Last evaluated: 2023-11-12. Review status: criteria provided, single submitter. Criteria: ACMG Guidelines, 2015. Collection method: clinical testing. Allele origin: germline. Affected: no. Observed: 23 variant alleles.
Comment: This variant is classified as Benign based on local population frequency. This variant was detected in 24% of patients studied by a panel of primary immunodeficiencies. Number of patients: 23. Only high quality variants are reported.